The following is an entry in ClinVar:

NM_001163809.2(WDR81):c.4944G>A (p.Ser1648=)

Gene: WDR81 (WD repeat domain 81; plus strand). Cytogenetic location: 17p13.3.
Variant type: single nucleotide variant.
Coding change: c.4944G>A on transcript NM_001163809.2 (MANE Select); coding-DNA position 4944, G replaced by A.
Protein change: p.Ser1648=; no amino-acid change (serine 1648 retained).
Molecular consequence: synonymous variant.
Genome position (GRCh38, 1-based): chr17:1,733,981, G>A. VCF-style: chr17-1733981-G-A. GRCh37 (hg19) VCF-style: chr17-1637275-G-A.
Other names: c.1335G>A, p.Ser445= (NM_001163673.2); c.1263G>A, p.Ser421= (NM_001163811.2); c.1791G>A, p.Ser597= (NM_152348.4).
Identifiers: ClinVar variation 2647200 (VCV002647200.24), dbSNP rs534338632, ClinGen allele CA8273713.

ClinVar aggregate classification (germline): Likely benign (1 of 4 stars; one submission).

Allele frequency attached by ClinVar (database versions not stated): 1000 Genomes Project 0.00040; ExAC 0.00003; gnomAD 0.00003; TOPMed 0.00003; 1000 Genomes Project 30x 0.00031.
gnomAD v4.1: 35 of 1,612,712 alleles (0.0022%); highest among the groups gnomAD compares: East Asian, 0.025%; no homozygotes.

Submission:

CeGaT Center for Human Genetics Tuebingen
Classification: Likely benign. Last evaluated: 2022-06-01. Review status: criteria provided, single submitter. Criteria: CeGaT Center For Human Genetics Tuebingen Variant Classification Criteria Version 2. Collection method: clinical testing. Allele origin: germline. Affected: yes. Observed: 1 variant allele.
Comment: WDR81: BP4, BP7